The following is an entry in ClinVar:

NM_000051.4(ATM):c.7629+13G>A

Genes: ATM (ATM serine/threonine kinase; plus strand), C11orf65 (chromosome 11 open reading frame 65; minus strand). Cytogenetic location: 11q22.3.
Variant type: single nucleotide variant.
Coding change: c.7629+13G>A on transcript NM_000051.4 (MANE Select); 13 bases into the intron after coding-DNA position 7629, G replaced by A.
Molecular consequence: intron variant.
Genome position (GRCh38, 1-based): chr11:108,331,570, G>A. VCF-style: chr11-108331570-G-A. GRCh37 (hg19) VCF-style: chr11-108202297-G-A.
Other names: c.7629+13G>A (NM_001351834.2); c.641-22499C>T (NM_001330368.2); c.*38+3650C>T (NM_001351110.2).
Identifiers: ClinVar variation 490705 (VCV000490705.51), dbSNP rs563651647, ClinGen allele CA6266149.

ClinVar aggregate classification (germline): Benign/Likely benign. Review status: criteria provided, multiple submitters, no conflicts (2 of 4 stars). 5 submissions from 5 submitters: Benign (2); Likely benign (2). 1 of the submissions does not count toward it. Last evaluated 2026-01-31.

Conditions:
Hereditary cancer-predisposing syndrome. Also called: Hereditary Cancer Syndrome; Neoplastic Syndromes, Hereditary; Tumor predisposition; Hereditary neoplastic syndrome. Identifiers: Orphanet 140162, MedGen C0027672, MeSH D009386, MONDO:0015356.
Carcinoma of colon (CRC). Also called: Colonic carcinoma; Colon carcinoma. Identifiers: MedGen C0699790, MONDO:0002032.
Familial cancer of breast. Also called: BREAST CANCER, FAMILIAL; Hereditary breast cancer; hereditary breast carcinoma. Identifiers: Orphanet 227535, MedGen C0346153, MONDO:0016419, OMIM 114480. Disease mechanism: loss of function.
Ataxia-telangiectasia syndrome (AT). Also called: Cerebello-oculocutaneous telangiectasia; Immunodeficiency with ataxia telangiectasia; Ataxia-telangiectasia, complementation group E; Ataxia-telangiectasia, complementation group D; AT, COMPLEMENTATION GROUP C; ATAXIA-TELANGIECTASIA, COMPLEMENTATION GROUP A. Identifiers: Orphanet 100, MedGen C0004135, MONDO:0008840, OMIM 208900.

Allele frequency attached by ClinVar (database versions not stated): gnomAD below 0.00001 and 0.00010; gnomAD exomes 0.00011 and 0.00020; ExAC 0.00031; 1000 Genomes Project 30x 0.00078; TOPMed below 0.00001; 1000 Genomes Project 0.00040.
gnomAD v4.1: 183 of 1,600,668 alleles (0.011%); highest among the groups gnomAD compares: South Asian, 0.2%; 1 homozygote.

Submissions (5):

Labcorp Genetics (formerly Invitae), Labcorp
Classification: Likely benign for Ataxia-telangiectasia syndrome. Last evaluated: 2026-01-31. Review status: criteria provided, single submitter. Criteria: Invitae Variant Classification Sherloc (09022015). Collection method: clinical testing. Allele origin: germline.

KCCC/NGS Laboratory, Kuwait Cancer Control Center
Classification: Benign for Familial cancer of breast. Last evaluated: 2025-02-01. Review status: criteria provided, single submitter. Criteria: ACMG Guidelines, 2015. Collection method: clinical testing. Allele origin: germline. Affected: no.

GeneDx
Classification: Likely benign. Last evaluated: 2017-09-01. Review status: criteria provided, single submitter. Criteria: GeneDx Variant Classification (06012015). Collection method: clinical testing. Allele origin: germline. Affected: yes.
Comment: This variant is considered likely benign or benign based on one or more of the following criteria: it is a conservative change, it occurs at a poorly conserved position in the protein, it is predicted to be benign by multiple in silico algorithms, and/or has population frequency not consistent with disease.

Color Diagnostics, LLC DBA Color Health
Classification: Benign for Hereditary cancer-predisposing syndrome. Last evaluated: 2016-08-05. Review status: criteria provided, single submitter. Criteria: ACMG Guidelines, 2015. Collection method: clinical testing. Allele origin: germline.

Department of Pathology and Laboratory Medicine, Sinai Health System
Classification: Likely benign for Carcinoma of colon. Review status: no assertion criteria provided. Collection method: clinical testing. Allele origin: unknown. Affected: yes. Observed: 1 variant allele. Study: The Canadian Open Genetics Repository (COGR). Not counted in ClinVar's aggregate classification.
Comment: The ATM c.7629+13G>A variant was not identified in the literature nor was it identified in the LOVD 3.0 database. The variant was identified in dbSNP (ID: rs563651647) as "With Likely benign allele", ClinVar (classified as benign by Color Genomics and as likely benign by GeneDx).The variant was identified in control databases in 49 of 240160 chromosomes at a frequency of 0.0002 increasing the likelihood this could be a low frequency benign variant (Genome Aggregation Database Feb 27, 2017). The variant was observed in the following populations: South Asian in 49 of 29250 chromosomes (freq: 0.002), while the variant was not observed in the African, Other, Latino, European Non-Finnish, Ashkenazi Jewish, East Asian, or European Finnish populations. The variant occurs outside of the splicing consensus sequence and 0 of 4 in silico or computational prediction software programs (SpliceSiteFinder, MaxEntScan, NNSPLICE, GeneSplicer) predict a greater than 10% difference in splicing; this is not very predictive of pathogenicity. In summary, based on the above information the clinical significance of this variant cannot be determined with certainty at this time although we would lean towards a more benign role for this variant. This variant is classified as likely benign.